The following is an entry in ClinVar:

ClinVar aggregate classification (germline): Uncertain significance (1 of 4 stars; one submission).

Conditions:
Early-infantile DEE. Also called: Ohtahara syndrome; Early infantile epileptic encephalopathy with suppression bursts; Early infantile epileptic encephalopathy. Identifiers: Orphanet 1934, MedGen C0393706, MONDO:0800491.

Submission:

Labcorp Genetics (formerly Invitae), Labcorp
Classification: Uncertain significance for Early-infantile DEE. Last evaluated: 2022-01-14. Review status: criteria provided, single submitter. Criteria: Invitae Variant Classification Sherloc (09022015). Collection method: clinical testing. Allele origin: germline.
Comment: This variant, c.2701_2706dup, results in the insertion of 2 amino acid(s) of the SCN1A protein (p.Val901_Phe902dup), but otherwise preserves the integrity of the reading frame. This variant is not present in population databases (gnomAD no frequency). This variant has not been reported in the literature in individuals affected with SCN1A-related conditions. Experimental studies and prediction algorithms are not available or were not evaluated, and the functional significance of this variant is currently unknown. In summary, the available evidence is currently insufficient to determine the role of this variant in disease. Therefore, it has been classified as a Variant of Uncertain Significance.

NM_001165963.4(SCN1A):c.2701_2706dup (p.Phe902_Ile903insValPhe)

Gene: SCN1A (sodium voltage-gated channel alpha subunit 1; minus strand). Cytogenetic location: 2q24.3.
Variant type: Duplication.
Coding change: c.2701_2706dup on transcript NM_001165963.4 (MANE Select); coding-DNA positions 2701 to 2706, 6 bases duplicated (GTCTTC; older notation c.2701_2706dupGTCTTC).
Protein change: p.Phe902_Ile903insValPhe.
Molecular consequence: inframe insertion. On other transcripts: non-coding transcript variant (1).
Genome position (GRCh38, 1-based): chr2:166,038,016-166,038,021, GAAGAC duplicated on the plus strand (GTCTTC on the coding strand, the reverse complement: SCN1A is on the minus strand); duplicating any 6 consecutive bases within chr2:166,038,016-166,038,023 gives the same sequence; the c. name uses the placement nearest the transcript's 3' end. VCF-style (leftmost placement, unchanged base first): chr2-166038015-T-TGAAGAC. GRCh37 (hg19) VCF-style: chr2-166894525-T-TGAAGAC.
Other names: c.2617_2622dup, p.Phe874_Ile875insValPhe (NM_001165964.3, NM_001353957.2, NM_001353958.2); c.2701_2706dup, p.Phe902_Ile903insValPhe (NM_001202435.3, NM_001353948.2); c.2668_2673dup, p.Phe891_Ile892insValPhe (NM_001353949.2, NM_001353950.2, NM_001353951.2 and 2 more transcripts); c.2665_2670dup, p.Phe890_Ile891insValPhe (NM_001353954.2, NM_001353955.2); c.2614_2619dup, p.Phe873_Ile874insValPhe (NM_001353960.2); c.259_264dup, p.Phe88_Ile89insValPhe (NM_001353961.2).
Identifiers: ClinVar variation 2082726 (VCV002082726.4), dbSNP rs2468098997, ClinGen allele CA2580064537.
Genomic context (GRCh38, chr2:166,038,015, plus strand): 5'-TCTTGCAGACACAATCTTTGTAGCTTTTACCAAAGAGCTGCATGCCGACCACGGCAAAAA[T>TGAAGAC]GAAGACGATGATGGCCAAGACGAGGGTTAAATTTCCCAGAGCCCCCACGGAATTGCCGAT-3'